The following is an entry in ClinVar:

NM_153615.2(RGL4):c.1125C>G (p.Pro375=)

Gene: RGL4 (ral guanine nucleotide dissociation stimulator like 4; plus strand). Cytogenetic location: 22q11.23.
Variant type: single nucleotide variant.
Coding change: c.1125C>G on transcript NM_153615.2 (MANE Select); coding-DNA position 1125, C replaced by G.
Protein change: p.Pro375=; no amino-acid change (proline 375 retained).
Molecular consequence: synonymous variant. On other transcripts: 5 prime UTR variant (1).
Genome position (GRCh38, 1-based): chr22:23,696,652, C>G. VCF-style: chr22-23696652-C-G. GRCh37 (hg19) VCF-style: chr22-24038839-C-G.
Other names: c.1125C>G, p.Pro375= (NM_001329424.3); c.-13C>G (NM_001329425.2).
Identifiers: ClinVar variation 2652967 (VCV002652967.24), dbSNP rs1200071711, ClinGen allele CA513795297.
Genomic context (GRCh38, chr22:23,696,652, plus strand): 5'-CCCTGTCGCTGACACCTGGCAGGCGGGGAGCTTTAAGGTGGCCACCCAGGAGAGGAACCC[C>G]CAGAGAGTCCAGATGAGGCTGCGGAGGCAGAAGAAGGTGAGTGAGCCTGTGGCATGGACG-3'
Protein context (NP_705843.1, residues 365-385): SFKVATQERN[Pro375=]QRVQMRLRRQ

ClinVar aggregate classification (germline): Likely benign (1 of 4 stars; one submission).

Submission:

CeGaT Center for Human Genetics Tuebingen
Classification: Likely benign. Last evaluated: 2022-11-01. Review status: criteria provided, single submitter. Criteria: CeGaT Center For Human Genetics Tuebingen Variant Classification Criteria Version 2. Collection method: clinical testing. Allele origin: germline. Affected: yes. Observed: 1 variant allele.
Comment: RGL4: BP4, BP7